The following is an entry in ClinVar:

ClinVar aggregate classification (germline): Uncertain significance. Review status: criteria provided, multiple submitters, no conflicts (2 of 4 stars). 2 submissions from 2 submitters: Uncertain significance (2). Last evaluated 2024-12-09.

Conditions:
Dyskeratosis congenita. Identifiers: Orphanet 1775, MedGen C0265965, MONDO:0015780.

Allele frequency attached by ClinVar (database versions not stated): TOPMed 0.00001.

Submissions (2):

Labcorp Genetics (formerly Invitae), Labcorp
Classification: Uncertain significance for Dyskeratosis congenita. Last evaluated: 2024-12-09. Review status: criteria provided, single submitter. Criteria: Invitae Variant Classification Sherloc (09022015). Collection method: clinical testing. Allele origin: germline.
Comment: This sequence change replaces arginine, which is basic and polar, with glutamine, which is neutral and polar, at codon 1178 of the CTC1 protein (p.Arg1178Gln). This variant is present in population databases (no rsID available, gnomAD 0.1%). This variant has not been reported in the literature in individuals affected with CTC1-related conditions. ClinVar contains an entry for this variant (Variation ID: 1354865). An algorithm developed to predict the effect of missense changes on protein structure and function outputs the following: PolyPhen-2: "Benign". The glutamine amino acid residue is found in multiple mammalian species, which suggests that this missense change does not adversely affect protein function. In summary, the available evidence is currently insufficient to determine the role of this variant in disease. Therefore, it has been classified as a Variant of Uncertain Significance.

Sema4
Classification: Uncertain significance for Dyskeratosis congenita. Last evaluated: 2021-06-07. Review status: criteria provided, single submitter. Criteria: Sema4 Curation Guidelines. Collection method: curation. Allele origin: germline.
Comment: The CTC1 c.3533G>A (p.R1178Q) variant has not been reported in the literature to our knowledge. It was observed in 1/8710 chromosomes of the African/African American subpopulation in the large and broad cohorts of the Genome Aggregation Database (PMID: 32461654). The variant has not been reported in ClinVar. In silico tools suggest the impact of the variant on protein function is inconclusive, though these predictions have not been confirmed by functional studies. The evidence is insufficient to meet ACMG/AMP criteria for classifying the variant as benign or pathogenic. Thus, the clinical significance of this variant is currently uncertain.

NM_025099.6(CTC1):c.3533G>A (p.Arg1178Gln)

Gene: CTC1 (CST telomere replication complex component 1; minus strand). Cytogenetic location: 17p13.1.
Variant type: single nucleotide variant.
Coding change: c.3533G>A on transcript NM_025099.6 (MANE Select); coding-DNA position 3533, G replaced by A.
Protein change: p.Arg1178Gln; replaces arginine 1178 with glutamine.
Molecular consequence: missense variant. On other transcripts: non-coding transcript variant (1).
Genome position (GRCh38, 1-based): chr17:8,228,301, C>T on the plus strand (G>A on the coding strand, the complement: CTC1 is on the minus strand). VCF-style: chr17-8228301-C-T. GRCh37 (hg19) VCF-style: chr17-8131619-C-T.
Other names: short protein forms R1178Q.
Identifiers: ClinVar variation 1354865 (VCV001354865.6), dbSNP rs764813118, ClinGen allele CA397967981.